The following is an entry in ClinVar:

ClinVar aggregate classification (germline): Uncertain significance. Review status: criteria provided, multiple submitters, no conflicts (2 of 4 stars). 3 submissions from 3 submitters: Uncertain significance (2). 1 of the submissions does not count toward it. Last evaluated 2024-12-04.

Conditions:
Congenital lactic acidosis, Saguenay-Lac-Saint-Jean type (MC4DN5). Also called: CYTOCHROME c OXIDASE DEFICIENCY, FRENCH CANADIAN TYPE; COX DEFICIENCY, FRENCH CANADIAN TYPE; MITOCHONDRIAL COMPLEX IV DEFICIENCY, NUCLEAR TYPE 5. Identifiers: Orphanet 70472, MedGen C1857355, MONDO:0009069, OMIM 220111.

Allele frequency attached by ClinVar (database versions not stated): TOPMed 0.00003; gnomAD 0.00007; ExAC 0.00008; gnomAD exomes 0.00008; ESP Exome Variant Server 0.00015.
gnomAD v4.1: 61 of 1,610,250 alleles (0.0038%); highest among the groups gnomAD compares: Non-Finnish European, 0.00051%; no homozygotes.

Submissions (3):

GeneDx
Classification: Uncertain significance. Last evaluated: 2024-12-04. Review status: criteria provided, single submitter. Criteria: GeneDx Variant Classification Process June 2021. Collection method: clinical testing. Allele origin: germline. Affected: yes.
Comment: In silico analysis indicates that this missense variant does not alter protein structure/function; Reported in a study on human longevity (PMID: 35948858); This variant is associated with the following publications: (PMID: 35948858)

Genomic Diagnostic Laboratory, Division of Genomic Diagnostics, Children's Hospital of Philadelphia
Classification: Uncertain significance. Last evaluated: 2015-04-17. Review status: criteria provided, single submitter. Criteria: DGD Variant Analysis Guidelines. Collection method: clinical testing. Allele origin: unknown.

Natera, Inc.
Classification: Uncertain significance for French-Canadian type Leigh syndrome. Last evaluated: 2020-04-24. Review status: no assertion criteria provided. Collection method: clinical testing. Allele origin: germline. Not counted in ClinVar's aggregate classification.

NM_133259.4(LRPPRC):c.4056T>A (p.Asp1352Glu)

Gene: LRPPRC (leucine rich pentatricopeptide repeat containing; minus strand). Cytogenetic location: 2p21.
Variant type: single nucleotide variant.
Coding change: c.4056T>A on transcript NM_133259.4 (MANE Select); coding-DNA position 4056, T replaced by A.
Protein change: p.Asp1352Glu; replaces aspartic acid 1352 with glutamic acid.
Molecular consequence: missense variant.
Genome position (GRCh38, 1-based): chr2:43,889,806, A>T on the plus strand (T>A on the coding strand, the complement: LRPPRC is on the minus strand). VCF-style: chr2-43889806-A-T. GRCh37 (hg19) VCF-style: chr2-44116945-A-T.
Other names: p.D1352E:GAT>GAA; short protein forms D1352E.
Identifiers: ClinVar variation 214598 (VCV000214598.6), dbSNP rs146630100, ClinGen allele CA321082.